The following is an entry in ClinVar:

NM_002335.4(LRP5):c.1077G>A (p.Thr359=)

Gene: LRP5 (LDL receptor related protein 5; plus strand). Cytogenetic location: 11q13.2.
Variant type: single nucleotide variant.
Coding change: c.1077G>A on transcript NM_002335.4 (MANE Select); coding-DNA position 1077, G replaced by A.
Protein change: p.Thr359=; no amino-acid change (threonine 359 retained).
Molecular consequence: synonymous variant. On other transcripts: 5 prime UTR variant (1).
Genome position (GRCh38, 1-based): chr11:68,386,377, G>A. VCF-style: chr11-68386377-G-A. GRCh37 (hg19) VCF-style: chr11-68153845-G-A.
Other names: c.-689G>A (NM_001291902.2).
Identifiers: ClinVar variation 736402 (VCV000736402.19), dbSNP rs200179967, ClinGen allele CA6149238.
Genomic context (GRCh38, chr11:68,386,377, plus strand): 5'-AGCCGAGGAGGTGCTGCTGCTGGCCCGGCGGACGGACCTACGGAGGATCTCGCTGGACAC[G>A]CCGGACTTCACCGACATCGTGCTGCAGGTGGACGACATCCGGCACGCCATTGCCATCGAC-3'
Protein context (NP_002326.2, residues 349-369): RTDLRRISLD[Thr359=]PDFTDIVLQV

ClinVar aggregate classification (germline): Benign/Likely benign. Review status: criteria provided, multiple submitters, no conflicts (2 of 4 stars). 5 submissions from 5 submitters: Benign (2); Likely benign (3). Last evaluated 2026-08-07.

Conditions:
Osteogenesis imperfecta (OI). Identifiers: Orphanet 666, MedGen C0029434, MeSH D010013, MONDO:0019019.
Polycystic liver disease 4 with or without kidney cysts. Identifiers: MedGen C4693479, MONDO:0044327, OMIM 617875.
Exudative vitreoretinopathy 4 (EVR4). Identifiers: Orphanet 891, MedGen C1866176, MONDO:0011151, OMIM 601813.
Bone mineral density quantitative trait locus 1 (BMND1). Identifiers: MedGen C1866079, OMIM 601884.
Autosomal dominant osteopetrosis 1 (OPTA1). Also called: OSTEOPETROSIS, AUTOSOMAL DOMINANT, TYPE I. Identifiers: Orphanet 2783, MedGen C1843330, MONDO:0011877, OMIM 607634.
Worth disease. Also called: OSTEOSCLEROSIS, AUTOSOMAL DOMINANT; ENDOSTEAL HYPEROSTOSIS, AUTOSOMAL DOMINANT; Autosomal dominant osteosclerosis, Worth type. Identifiers: Orphanet 2790, MedGen C0432273, MONDO:0007764, OMIM 144750.
Osteoporosis. Identifiers: MedGen C0029456, MONDO:0005298, OMIM 166710, HP:0000939.
Osteoporosis with pseudoglioma (OPPG). Also called: osteoporosis-pseudoglioma syndrome. Identifiers: Orphanet 2788, MedGen C0432252, MONDO:0009820, OMIM 259770.
Exudative vitreoretinopathy 1 (EVR1). Also called: CRISWICK-SCHEPENS SYNDROME; FEVR, AUTOSOMAL DOMINANT; Familial exudative vitreoretinopathy, autosomal dominant. Identifiers: Orphanet 891, Orphanet 90050, MedGen C1851402, MONDO:0007589, OMIM 133780.
LRP5-related disorder. Also called: LRP5-related condition.

Allele frequency attached by ClinVar (database versions not stated): gnomAD 0.00006 and 0.00027; TOPMed 0.00009; gnomAD exomes 0.00055 and 0.00103; ExAC 0.00116; 1000 Genomes Project 0.00140; 1000 Genomes Project 30x 0.00156.
gnomAD v4.1: 851 of 1,613,620 alleles (0.053%); highest among the groups gnomAD compares: South Asian, 0.82%; 16 homozygotes.

Submissions (5):

PreventionGenetics, part of Exact Sciences
Classification: Benign for LRP5-related condition. Last evaluated: 2026-08-07. Review status: criteria provided, single submitter. Criteria: ACMG Guidelines, 2015. Collection method: clinical testing. Allele origin: germline.
Comment: This variant is classified as benign based on ACMG/AMP sequence variant interpretation guidelines (Richards et al. 2015 PMID: 25741868, with internal and published modifications).

Labcorp Genetics (formerly Invitae), Labcorp
Classification: Benign. Last evaluated: 2025-12-15. Review status: criteria provided, single submitter. Criteria: Invitae Variant Classification Sherloc (09022015). Collection method: clinical testing. Allele origin: germline.

Blueprint Genetics
Classification: Likely benign. Last evaluated: 2024-03-11. Review status: criteria provided, single submitter. Criteria: ACMG Guidelines, 2015. Collection method: clinical testing. Allele origin: germline.

Fulgent Genetics
Classification: Likely benign for Exudative vitreoretinopathy 1; Worth disease; Osteoporosis; Osteoporosis with pseudoglioma; Exudative vitreoretinopathy 4; Bone mineral density quantitative trait locus 1; Autosomal dominant osteopetrosis 1; Polycystic liver disease 4 with or without kidney cysts. Last evaluated: 2021-10-23. Review status: criteria provided, single submitter. Criteria: ACMG Guidelines, 2015. Collection method: clinical testing. Allele origin: unknown.

Genome Diagnostics Laboratory, The Hospital for Sick Children
Classification: Likely benign for Osteogenesis imperfecta. Last evaluated: 2020-10-15. Review status: criteria provided, single submitter. Criteria: ACMG Guidelines, 2015. Collection method: clinical testing. Allele origin: germline.